The following is an entry in ClinVar:

NM_015046.7(SETX):c.1784T>A (p.Ile595Lys)

Gene: SETX (senataxin; minus strand). Cytogenetic location: 9q34.13.
Variant type: single nucleotide variant.
Coding change: c.1784T>A on transcript NM_015046.7 (MANE Select); coding-DNA position 1784, T replaced by A.
Protein change: p.Ile595Lys; replaces isoleucine 595 with lysine.
Molecular consequence: missense variant.
Genome position (GRCh38, 1-based): chr9:132,329,814, A>T on the plus strand (T>A on the coding strand, the complement: SETX is on the minus strand). VCF-style: chr9-132329814-A-T. GRCh37 (hg19) VCF-style: chr9-135205201-A-T.
Other names: c.1784T>A, p.Ile595Lys (NM_001351527.2, NM_001351528.2); short protein forms I595K.
Identifiers: ClinVar variation 2941772 (VCV002941772.3), dbSNP rs2539130479, ClinGen allele CA375338801.

ClinVar aggregate classification (germline): Uncertain significance (1 of 4 stars; one submission).

Conditions:
Amyotrophic lateral sclerosis type 4 (ALS4). Also called: AMYOTROPHIC LATERAL SCLEROSIS 4, JUVENILE; NEURONOPATHY, DISTAL HEREDITARY MOTOR, WITH PYRAMIDAL FEATURES. Identifiers: Orphanet 357043, MedGen C1865409, MONDO:0011223, OMIM 602433.
Spinocerebellar ataxia, autosomal recessive, with axonal neuropathy 2 (SCAN2). Also called: ATAXIA-OCULOMOTOR APRAXIA 2; Ataxia-ocular apraxia-2; Ataxia with Oculomotor Apraxia Type 2; Ataxia with Oculomotor Apraxia. Identifiers: Orphanet 64753, MedGen C1853761, MONDO:0018996, OMIM 606002.

Submission:

Labcorp Genetics (formerly Invitae), Labcorp
Classification: Uncertain significance for Amyotrophic lateral sclerosis type 4; Spinocerebellar ataxia, autosomal recessive, with axonal neuropathy 2. Last evaluated: 2022-12-31. Review status: criteria provided, single submitter. Criteria: Invitae Variant Classification Sherloc (09022015). Collection method: clinical testing. Allele origin: germline.
Comment: This variant is not present in population databases (gnomAD no frequency). In summary, the available evidence is currently insufficient to determine the role of this variant in disease. Therefore, it has been classified as a Variant of Uncertain Significance. Advanced modeling of protein sequence and biophysical properties (such as structural, functional, and spatial information, amino acid conservation, physicochemical variation, residue mobility, and thermodynamic stability) performed at Invitae indicates that this missense variant is not expected to disrupt SETX protein function. This variant has not been reported in the literature in individuals affected with SETX-related conditions. This sequence change replaces isoleucine, which is neutral and non-polar, with lysine, which is basic and polar, at codon 595 of the SETX protein (p.Ile595Lys).